The following is an entry in ClinVar:

NM_000287.4(PEX6):c.2229T>C (p.His743=)

Gene: PEX6 (peroxisomal biogenesis factor 6; minus strand). Cytogenetic location: 6p21.1.
Variant type: single nucleotide variant.
Coding change: c.2229T>C on transcript NM_000287.4 (MANE Select); coding-DNA position 2229, T replaced by C.
Protein change: p.His743=; no amino-acid change (histidine 743 retained).
Molecular consequence: synonymous variant.
Genome position (GRCh38, 1-based): chr6:42,966,313, A>G on the plus strand (T>C on the coding strand, the complement: PEX6 is on the minus strand). VCF-style: chr6-42966313-A-G. GRCh37 (hg19) VCF-style: chr6-42934051-A-G.
Other names: c.1965T>C, p.His655= (NM_001316313.2).
Identifiers: ClinVar variation 777170 (VCV000777170.14), dbSNP rs145849057, ClinGen allele CA3811098.

ClinVar aggregate classification (germline): Likely benign. Review status: criteria provided, multiple submitters, no conflicts (2 of 4 stars). 3 submissions from 3 submitters: Likely benign (2). 1 of the submissions does not count toward it. Last evaluated 2025-12-02.

Conditions:
PEX6-related disorder. Also called: PEX6-related disorders; PEX6-related condition.
Peroxisome biogenesis disorder. Identifiers: Orphanet 79189, MedGen C1832200, MONDO:0019234. Disease mechanism: loss of function.

Allele frequency attached by ClinVar (database versions not stated): TOPMed 0.00004; gnomAD 0.00005; ESP Exome Variant Server 0.00008; gnomAD exomes 0.00010 and 0.00015; ExAC 0.00020.
gnomAD v4.1: 165 of 1,613,052 alleles (0.01%); highest among the groups gnomAD compares: East Asian, 0.027%; no homozygotes.

Submissions (3):

Labcorp Genetics (formerly Invitae), Labcorp
Classification: Likely benign for Peroxisome biogenesis disorder. Last evaluated: 2025-12-02. Review status: criteria provided, single submitter. Criteria: Invitae Variant Classification Sherloc (09022015). Collection method: clinical testing. Allele origin: germline.

Blueprint Genetics
Classification: Likely benign. Last evaluated: 2022-06-02. Review status: criteria provided, single submitter. Criteria: ACMG Guidelines, 2015. Collection method: clinical testing. Allele origin: germline.

PreventionGenetics, part of Exact Sciences
Classification: Likely benign for PEX6-related condition. Last evaluated: 2023-05-16. Review status: no assertion criteria provided. Collection method: clinical testing. Allele origin: germline. Not counted in ClinVar's aggregate classification.
Comment: This variant is classified as likely benign based on ACMG/AMP sequence variant interpretation guidelines (Richards et al. 2015 PMID: 25741868, with internal and published modifications).